The following is an entry in ClinVar:

NM_003079.5(SMARCE1):c.819G>A (p.Leu273=)

Gene: SMARCE1 (SWI/SNF related BAF chromatin remodeling complex subunit E1; minus strand). Cytogenetic location: 17q21.2.
Variant type: single nucleotide variant.
Coding change: c.819G>A on transcript NM_003079.5 (MANE Select); coding-DNA position 819, G replaced by A.
Protein change: p.Leu273=; no amino-acid change (leucine 273 retained).
Molecular consequence: synonymous variant.
Genome position (GRCh38, 1-based): chr17:40,630,922, C>T on the plus strand (G>A on the coding strand, the complement: SMARCE1 is on the minus strand). VCF-style: chr17-40630922-C-T. GRCh37 (hg19) VCF-style: chr17-38787174-C-T.
Identifiers: ClinVar variation 1586515 (VCV001586515.22), dbSNP rs2143985259, ClinGen allele CA500183967.

ClinVar aggregate classification (germline): Likely benign. Review status: criteria provided, multiple submitters, no conflicts (2 of 4 stars). 2 submissions from 2 submitters: Likely benign (2). Last evaluated 2024-10-01.

Conditions:
Familial meningioma. Also called: Meningioma, familial, susceptibility to. Identifiers: Orphanet 263662, MedGen C3551915, MONDO:0011789, OMIM 607174.

Submissions (2):

CeGaT Center for Human Genetics Tuebingen
Classification: Likely benign. Last evaluated: 2024-10-01. Review status: criteria provided, single submitter. Criteria: CeGaT Center For Human Genetics Tuebingen Variant Classification Criteria Version 2. Collection method: clinical testing. Allele origin: germline. Affected: yes. Observed: 1 variant allele.
Comment: SMARCE1: PM2:Supporting, BP4, BP7

Labcorp Genetics (formerly Invitae), Labcorp
Classification: Likely benign for Familial meningioma. Last evaluated: 2021-03-29. Review status: criteria provided, single submitter. Criteria: Invitae Variant Classification Sherloc (09022015). Collection method: clinical testing. Allele origin: germline.